The following is an entry in ClinVar:

NM_001042492.3(NF1):c.2681T>C (p.Phe894Ser)

Gene: NF1 (neurofibromin 1; plus strand). Cytogenetic location: 17q11.2.
Variant type: single nucleotide variant.
Coding change: c.2681T>C on transcript NM_001042492.3 (MANE Select); coding-DNA position 2681, T replaced by C.
Protein change: p.Phe894Ser; replaces phenylalanine 894 with serine.
Molecular consequence: missense variant.
Genome position (GRCh38, 1-based): chr17:31,229,296, T>C. VCF-style: chr17-31229296-T-C. GRCh37 (hg19) VCF-style: chr17-29556314-T-C.
Other names: c.2681T>C, p.Phe894Ser (NM_000267.4); short protein forms F894S.
Identifiers: ClinVar variation 847299 (VCV000847299.10), dbSNP rs1282493551, ClinGen allele CA398984906.

ClinVar aggregate classification (germline): Pathogenic/Likely pathogenic. Review status: criteria provided, multiple submitters, no conflicts (2 of 4 stars). 4 submissions from 4 submitters: Pathogenic (3); Likely pathogenic (1). Last evaluated 2025-09-02.

Conditions:
Neurofibromatosis, type 1 (NF1). Also called: NEUROFIBROMATOSIS, TYPE I, SOMATIC; VON RECKLINGHAUSEN DISEASE; Peripheral type neurofibromatosis; Neurofibromatosis, type I. Identifiers: Orphanet 636, MedGen C0027831, MONDO:0018975, OMIM 162200. Disease mechanism: loss of function.
Cardiovascular phenotype. Identifiers: MedGen CN230736.
Hereditary cancer-predisposing syndrome. Also called: Neoplastic Syndromes, Hereditary; Hereditary neoplastic syndrome; Tumor predisposition; Hereditary Cancer Syndrome. Identifiers: Orphanet 140162, MedGen C0027672, MeSH D009386, MONDO:0015356.

Allele frequency attached by ClinVar (database versions not stated): gnomAD exomes below 0.00001.

Submissions (4):

GeneDx
Classification: Pathogenic. Last evaluated: 2025-09-02. Review status: criteria provided, single submitter. Criteria: GeneDx Variant Classification Process June 2021. Collection method: clinical testing. Allele origin: germline.
Comment: Published functional studies suggest a damaging effect: retained GAP activity and interaction with SPRED1, but reduced expression and dose-dependent reduction of wildtype neurofibromin protein interpreted by the authors as indicating a dominant negative effect through heterodimerization (PMID: 36689660); In silico analysis supports that this missense variant has a deleterious effect on protein structure/function; This variant is associated with the following publications: (PMID: 17914445, Douben2023[Functional study], 36689660, 29290338, 37090834, 2121369, 25486365)

Ambry Genetics
Classification: Pathogenic for Cardiovascular phenotype; Hereditary cancer-predisposing syndrome. Last evaluated: 2024-09-17. Review status: criteria provided, single submitter. Criteria: Ambry Variant Classification Scheme 2023. Collection method: clinical testing. Allele origin: germline.
Comment: The p.F894S pathogenic mutation (also known as c.2681T>C), located in coding exon 21 of the NF1 gene, results from a T to C substitution at nucleotide position 2681. The phenylalanine at codon 894 is replaced by serine, an amino acid with highly dissimilar properties. This variant was reported in multiple individuals who met clinical criteria for neurofibromatosis type 1 (NF1) (Ambry internal data; De Schepper S et al. J Invest Dermatol, 2008 Apr;128:1050-3). This alteration has also been reported as a de novo occurrence in a patient who met clinical criteria for NF1 (Lin G et al. J Pediatr Genet, 2023 Jun;12:135-140). This amino acid position is highly conserved in available vertebrate species. In addition, this alteration is predicted to be deleterious by in silico analysis. Based on the supporting evidence, this variant is interpreted as a disease-causing mutation.

Labcorp Genetics (formerly Invitae), Labcorp
Classification: Pathogenic for Neurofibromatosis, type 1. Last evaluated: 2024-02-13. Review status: criteria provided, single submitter. Criteria: Invitae Variant Classification Sherloc (09022015). Collection method: clinical testing. Allele origin: germline.
Comment: This sequence change replaces phenylalanine, which is neutral and non-polar, with serine, which is neutral and polar, at codon 894 of the NF1 protein (p.Phe894Ser). This variant is present in population databases (no rsID available, gnomAD 0.0009%). This missense change has been observed in individual(s) with neurofibromatosis type 1 (PMID: 17914445; Invitae). It has also been observed to segregate with disease in related individuals. ClinVar contains an entry for this variant (Variation ID: 847299). Advanced modeling of protein sequence and biophysical properties (such as structural, functional, and spatial information, amino acid conservation, physicochemical variation, residue mobility, and thermodynamic stability) performed at Invitae indicates that this missense variant is expected to disrupt NF1 protein function with a positive predictive value of 95%. For these reasons, this variant has been classified as Pathogenic.

Division of Human Genetics, National Health Laboratory Service/University of the Witwatersrand
Classification: Likely pathogenic for Neurofibromatosis, type 1. Last evaluated: 2023-07-01. Review status: criteria provided, single submitter. Criteria: ACMG Guidelines, 2015. Collection method: research. Allele origin: germline. Affected: yes.

Literature cited by the submitters: PubMed 17914445 (cited by Ambry Genetics and Labcorp Genetics (formerly Invitae), Labcorp); PubMed 37090834 (cited by Ambry Genetics).